The following is an entry in ClinVar:

ClinVar aggregate classification (germline): Uncertain significance (1 of 4 stars; one submission).

Conditions:
Seizures, benign familial infantile, 3 (BFIS3). Also called: Familial neonatal seizures; CONVULSIONS, BENIGN FAMILIAL INFANTILE, 3. Identifiers: Orphanet 140927, Orphanet 306, MedGen C1843140, MONDO:0011904, OMIM 607745.
Developmental and epileptic encephalopathy, 11 (DEE11). Also called: Early infantile epileptic encephalopathy 11. Identifiers: Orphanet 1934, MedGen C3150987, MONDO:0013388, OMIM 613721.

Submission:

Labcorp Genetics (formerly Invitae), Labcorp
Classification: Uncertain significance for Seizures, benign familial infantile, 3; Developmental and epileptic encephalopathy, 11. Last evaluated: 2024-08-13. Review status: criteria provided, single submitter. Criteria: Invitae Variant Classification Sherloc (09022015). Collection method: clinical testing. Allele origin: germline.
Comment: This sequence change replaces proline, which is neutral and non-polar, with leucine, which is neutral and non-polar, at codon 63 of the SCN2A protein (p.Pro63Leu). This variant is not present in population databases (gnomAD no frequency). This variant has not been reported in the literature in individuals affected with SCN2A-related conditions. ClinVar contains an entry for this variant (Variation ID: 2021518). Advanced modeling of protein sequence and biophysical properties (such as structural, functional, and spatial information, amino acid conservation, physicochemical variation, residue mobility, and thermodynamic stability) performed at Invitae indicates that this missense variant is expected to disrupt SCN2A protein function with a positive predictive value of 95%. In summary, the available evidence is currently insufficient to determine the role of this variant in disease. Therefore, it has been classified as a Variant of Uncertain Significance.

NM_001040142.2(SCN2A):c.188C>T (p.Pro63Leu)

Gene: SCN2A (sodium voltage-gated channel alpha subunit 2; plus strand). Cytogenetic location: 2q24.3.
Variant type: single nucleotide variant.
Coding change: c.188C>T on transcript NM_001040142.2 (MANE Select); coding-DNA position 188, C replaced by T.
Protein change: p.Pro63Leu; replaces proline 63 with leucine.
Molecular consequence: missense variant.
Genome position (GRCh38, 1-based): chr2:165,296,011, C>T. VCF-style: chr2-165296011-C-T. GRCh37 (hg19) VCF-style: chr2-166152521-C-T.
Other names: c.188C>T, p.Pro63Leu (NM_001040143.2, NM_001371246.1, NM_001371247.1 and 1 more transcripts); short protein forms P63L.
Identifiers: ClinVar variation 2021518 (VCV002021518.4), dbSNP rs2467838772, ClinGen allele CA349010422.